The following is an entry in ClinVar:

NM_032608.7(MYO18B):c.5684G>A (p.Arg1895His)

Gene: MYO18B (myosin XVIIIB; plus strand). Cytogenetic location: 22q12.1.
Variant type: single nucleotide variant.
Coding change: c.5684G>A on transcript NM_032608.7 (MANE Select); coding-DNA position 5684, G replaced by A.
Protein change: p.Arg1895His; replaces arginine 1895 with histidine.
Molecular consequence: missense variant.
Genome position (GRCh38, 1-based): chr22:25,947,764, G>A. VCF-style: chr22-25947764-G-A. GRCh37 (hg19) VCF-style: chr22-26343730-G-A.
Other names: c.5687G>A, p.Arg1896His (NM_001318245.2); short protein forms R1896H, R1895H.
Identifiers: ClinVar variation 1028973 (VCV001028973.5), dbSNP rs370592345, ClinGen allele CA10161247.

ClinVar aggregate classification (germline): Uncertain significance. Review status: criteria provided, multiple submitters, no conflicts (2 of 4 stars). 3 submissions from 3 submitters: Uncertain significance (3). Last evaluated 2024-10-21.

Conditions:
Klippel-Feil anomaly-myopathy-facial dysmorphism syndrome. Also called: Klippel-feil syndrome 4, autosomal recessive, with nemaline myopathy and facial dysmorphism; Klippel-Feil syndrome 4, autosomal recessive, with myopathy and facial dysmorphism. Identifiers: Orphanet 447974, MedGen C4225285, MONDO:0014689, OMIM 616549.

Allele frequency attached by ClinVar (database versions not stated): TOPMed 0.00006.
gnomAD v4.1: 44 of 1,613,708 alleles (0.0027%); highest among the groups gnomAD compares: Middle Eastern, 0.017%; no homozygotes.

Submissions (3):

Blueprint Genetics
Classification: Uncertain significance. Last evaluated: 2024-10-21. Review status: criteria provided, single submitter. Criteria: ACMG Guidelines, 2015. Collection method: clinical testing. Allele origin: germline.

Labcorp Genetics (formerly Invitae), Labcorp
Classification: Uncertain significance. Last evaluated: 2022-08-31. Review status: criteria provided, single submitter. Criteria: Invitae Variant Classification Sherloc (09022015). Collection method: clinical testing. Allele origin: germline.
Comment: This sequence change replaces arginine with histidine at codon 1895 of the MYO18B protein (p.Arg1895His). The arginine residue is highly conserved and there is a small physicochemical difference between arginine and histidine. This variant is present in population databases (rs370592345, gnomAD 0.005%). This variant has not been reported in the literature in individuals affected with MYO18B-related conditions. ClinVar contains an entry for this variant (Variation ID: 1028973). Algorithms developed to predict the effect of missense changes on protein structure and function output the following: SIFT: "Not Available"; PolyPhen-2: "Benign"; Align-GVGD: "Not Available". The histidine amino acid residue is found in multiple mammalian species, which suggests that this missense change does not adversely affect protein function. In summary, the available evidence is currently insufficient to determine the role of this variant in disease. Therefore, it has been classified as a Variant of Uncertain Significance.

Baylor Genetics
Classification: Uncertain significance for Klippel-Feil anomaly-myopathy-facial dysmorphism syndrome. Last evaluated: 2020-05-05. Review status: criteria provided, single submitter. Criteria: ACMG Guidelines, 2015. Collection method: clinical testing. Allele origin: unknown. Affected: yes.
Comment: This variant was determined to be of uncertain significance according to ACMG Guidelines, 2015 [PMID:25741868].